The following is an entry in ClinVar:

NM_001130438.3(SPTAN1):c.7247G>A (p.Ser2416Asn)

Gene: SPTAN1 (spectrin alpha, non-erythrocytic 1; plus strand). Cytogenetic location: 9q34.11.
Variant type: single nucleotide variant.
Coding change: c.7247G>A on transcript NM_001130438.3 (MANE Select); coding-DNA position 7247, G replaced by A.
Protein change: p.Ser2416Asn; replaces serine 2416 with asparagine.
Molecular consequence: missense variant.
Genome position (GRCh38, 1-based): chr9:128,632,894, G>A. VCF-style: chr9-128632894-G-A. GRCh37 (hg19) VCF-style: chr9-131395173-G-A.
Other names: c.7172G>A, p.Ser2391Asn (NM_001195532.2); c.7310G>A, p.Ser2437Asn (NM_001363759.2); c.7187G>A, p.Ser2396Asn (NM_001363765.2, NM_001375314.2); c.7334G>A, p.Ser2445Asn (NM_001375310.1); c.7247G>A, p.Ser2416Asn (NM_001375311.2); c.7283G>A, p.Ser2428Asn (NM_001375312.2); c.7229G>A, p.Ser2410Asn (NM_001375313.1); c.7346G>A, p.Ser2449Asn (NM_001375318.1); and 1 more; short protein forms S2416N, S2449N, S2396N, S2411N, S2428N, S2437N, S2445N, S2391N.
Identifiers: ClinVar variation 1448002 (VCV001448002.10), dbSNP rs1445682776, ClinGen allele CA375102482.
Genomic context (GRCh38, chr9:128,632,894, plus strand): 5'-ACATGGCTTTCATGATCAGCCGCGAAACTGAGAACGTCAAGTCCAGCGAGGAGATTGAGA[G>A]CGCCTTCCGGGCCCTCAGCTCAGAGGGAAAGCCTTACGTGACCAAGGAGGAGCTCTACCA-3'
Protein context (NP_001123910.1, residues 2406-2426): ENVKSSEEIE[Ser2416Asn]AFRALSSEGK

ClinVar aggregate classification (germline): Uncertain significance (1 of 4 stars; one submission).

Conditions:
Early-infantile DEE. Also called: Early infantile epileptic encephalopathy; Ohtahara syndrome; Early infantile epileptic encephalopathy with suppression bursts. Identifiers: Orphanet 1934, MedGen C0393706, MONDO:0800491.

Allele frequency attached by ClinVar (database versions not stated): gnomAD exomes below 0.00001.
gnomAD v4.1: 1 of 1,613,898 alleles (0.000062%); highest among the groups gnomAD compares: Non-Finnish European, 0.000085%; no homozygotes.

Submission:

Labcorp Genetics (formerly Invitae), Labcorp
Classification: Uncertain significance for Early-infantile DEE. Last evaluated: 2023-12-22. Review status: criteria provided, single submitter. Criteria: Invitae Variant Classification Sherloc (09022015). Collection method: clinical testing. Allele origin: germline.
Comment: This sequence change replaces serine, which is neutral and polar, with asparagine, which is neutral and polar, at codon 2416 of the SPTAN1 protein (p.Ser2416Asn). This variant is present in population databases (no rsID available, gnomAD 0.0009%). This variant has not been reported in the literature in individuals affected with SPTAN1-related conditions. ClinVar contains an entry for this variant (Variation ID: 1448002). Advanced modeling of protein sequence and biophysical properties (such as structural, functional, and spatial information, amino acid conservation, physicochemical variation, residue mobility, and thermodynamic stability) has been performed at Invitae for this missense variant, however the output from this modeling did not meet the statistical confidence thresholds required to predict the impact of this variant on SPTAN1 protein function. In summary, the available evidence is currently insufficient to determine the role of this variant in disease. Therefore, it has been classified as a Variant of Uncertain Significance.